The following is an entry in ClinVar:

NM_001013742.4(DGKK):c.3624G>A (p.Ser1208=)

Gene: DGKK (diacylglycerol kinase kappa; minus strand). Cytogenetic location: Xp11.22.
Variant type: single nucleotide variant.
Coding change: c.3624G>A on transcript NM_001013742.4 (MANE Select); coding-DNA position 3624, G replaced by A.
Protein change: p.Ser1208=; no amino-acid change (serine 1208 retained).
Molecular consequence: synonymous variant.
Genome position (GRCh38, 1-based): chrX:50,370,538, C>T on the plus strand (G>A on the coding strand, the complement: DGKK is on the minus strand). VCF-style: chrX-50370538-C-T. GRCh37 (hg19) VCF-style: chrX-50113537-C-T.
Identifiers: ClinVar variation 2660550 (VCV002660550.24), dbSNP rs141122494, ClinGen allele CA10415000.
Genomic context (GRCh38, chrX:50,370,538, plus strand): 5'-CTTTTTCTTTCCCAATTTGGGGAACTTAATTTTCAGCCTGAGGCTTCTACTGTCAGTGTC[C>T]GAAGATTTTTCCTGAGAAACCACAAGAGGAAGGTCAAAATGTTAGTTGCCTAATATTCAA-3'
Protein context (NP_001013764.1, residues 1198-1218): NPIFVPEEKS[Ser1208=]DTDSRSLRLK

ClinVar aggregate classification (germline): Likely benign (1 of 4 stars; one submission).

Allele frequency attached by ClinVar (database versions not stated): gnomAD exomes 0.00011; gnomAD 0.00014; 1000 Genomes Project 30x 0.00021; 1000 Genomes Project 0.00026; TOPMed 0.00029; ExAC 0.00066.
gnomAD v4.1: 130 of 1,195,384 alleles (0.011%); highest among the groups gnomAD compares: East Asian, 0.35%; no homozygotes.

Submission:

CeGaT Center for Human Genetics Tuebingen
Classification: Likely benign. Last evaluated: 2022-11-01. Review status: criteria provided, single submitter. Criteria: CeGaT Center For Human Genetics Tuebingen Variant Classification Criteria Version 2. Collection method: clinical testing. Allele origin: germline. Affected: yes. Observed: 1 variant allele.
Comment: DGKK: BP4, BP7, BS2